The following is an entry in ClinVar:

NM_000888.5(ITGB6):c.586C>A (p.Pro196Thr)

Gene: ITGB6 (integrin subunit beta 6; minus strand). Cytogenetic location: 2q24.2.
Variant type: single nucleotide variant.
Coding change: c.586C>A on transcript NM_000888.5 (MANE Select); coding-DNA position 586, C replaced by A.
Protein change: p.Pro196Thr; replaces proline 196 with threonine.
Molecular consequence: missense variant.
Genome position (GRCh38, 1-based): chr2:160,195,376, G>T on the plus strand (C>A on the coding strand, the complement: ITGB6 is on the minus strand). VCF-style: chr2-160195376-G-T. GRCh37 (hg19) VCF-style: chr2-161051887-G-T.
Other names: c.586C>A, p.Pro196Thr (NM_001282353.2, NM_001282355.2); c.301C>A, p.Pro101Thr (NM_001282354.2); c.460C>A, p.Pro154Thr (NM_001282388.2); c.367C>A, p.Pro123Thr (NM_001282389.2); c.172C>A, p.Pro58Thr (NM_001282390.2); short protein forms P196T, P154T, P58T, P101T, P123T.
Identifiers: ClinVar variation 180686 (VCV000180686.2), dbSNP rs730880298, ClinGen allele CA185946.

ClinVar aggregate classification (germline): Likely pathogenic. Review status: criteria provided, single submitter (1 of 4 stars). 2 submissions from 2 submitters: Likely pathogenic (1). 1 of the submissions does not count toward it.

Conditions:
Amelogenesis imperfecta type 1H. Also called: Amelogenesis imperfecta, type IH. Identifiers: Orphanet 88661, MedGen C4015557, MONDO:0014540, OMIM 616221.

Allele frequency attached by ClinVar (database versions not stated): ExAC 0.00012.
gnomAD v4.1: 54 of 1,614,082 alleles (0.0033%); highest among the groups gnomAD compares: South Asian, 0.059%; no homozygotes.

Submissions (2):

Lifecell International Pvt. Ltd
Classification: Likely pathogenic for Amelogenesis imperfecta type 1H. Review status: criteria provided, single submitter. Criteria: ACMG Guidelines, 2015. Collection method: clinical testing. Allele origin: germline. Inheritance: Autosomal recessive inheritance. Affected: yes. Observed: 1 compound heterozygote.
Comment: A Heterozygous Missense variant c.586C>A in Exon 4 of the ITGB6 gene that results in the amino acid substitution p.Pro196Thr was identified. The observed variant has a minor allele frequency of 0.00008% in gnomAD exomes, respectively. The severity of the impact of this variant on the protein is high, based on the effect of the protein and REVEL score . Rare Exome Variant Ensemble Learner (REVEL) is an ensembl method for predicting the pathogenicity of missense variants based on a combination of scores from 13 individual tools: MutPred, FATHMM v2.3, VEST 3.0, PolyPhen-2, SIFT, PROVEAN, MutationAssessor, MutationTaster, LRT, GERP++, SiPhy, phyloP, and phastCons. The REVEL score for an individual missense variant can range from 0 to 1, with higher scores reflecting greater likelihood that the variant is disease-causing. ClinVar has also classified this variant as Pathogenic(Variant ID 180686). This variant has been previously reported in Poulter J A et al., 2014. Based on the above evidence this variant has been classified as Likely Pathogenic according to the ACMG guidelines.

OMIM
Classification: Pathogenic for AMELOGENESIS IMPERFECTA, TYPE IH. Last evaluated: 2014-04-15. Review status: no assertion criteria provided. Collection method: literature only. Allele origin: germline. Not counted in ClinVar's aggregate classification.

Literature cited by the submitters: PubMed 24319098 (cited by Lifecell International Pvt. Ltd and OMIM).